The following is an entry in ClinVar:

NM_006904.7(PRKDC):c.3148G>C (p.Glu1050Gln)

Gene: PRKDC (protein kinase, DNA-activated, catalytic subunit; minus strand). Cytogenetic location: 8q11.21.
Variant type: single nucleotide variant.
Coding change: c.3148G>C on transcript NM_006904.7 (MANE Select); coding-DNA position 3148, G replaced by C.
Protein change: p.Glu1050Gln; replaces glutamic acid 1050 with glutamine.
Molecular consequence: missense variant.
Genome position (GRCh38, 1-based): chr8:47,902,690, C>G on the plus strand (G>C on the coding strand, the complement: PRKDC is on the minus strand). VCF-style: chr8-47902690-C-G. GRCh37 (hg19) VCF-style: chr8-48815250-C-G.
Other names: c.3148G>C, p.Glu1050Gln (NM_001081640.2); short protein forms E1050Q.
Identifiers: ClinVar variation 1518709 (VCV001518709.7), dbSNP rs1352810131, ClinGen allele CA371156931.
Genomic context (GRCh38, chr8:47,902,690, plus strand): 5'-GGTGAAGCGCAAGGCTATAAAGTCGCTTGAAAAGCGATTTGGTGTTTACTGGACTCTTCT[C>G]CTGCTGCTGTGGTGTTATTTGCTTAATGGACCATTTAAGGAATTCTCGAATACACCGACC-3'
Protein context (NP_008835.5, residues 1040-1060): SIKQITPQQQ[Glu1050Gln]KSPVNTKSLF

ClinVar aggregate classification (germline): Uncertain significance. Review status: criteria provided, multiple submitters, no conflicts (2 of 4 stars). 2 submissions from 2 submitters: Uncertain significance (2). Last evaluated 2024-05-20.

Conditions:
Severe combined immunodeficiency due to DNA-PKcs deficiency. Also called: IMMUNODEFICIENCY 26 WITH NEUROLOGIC ABNORMALITIES; Immunodeficiency 26 with or without neurologic abnormalities. Identifiers: Orphanet 317425, MedGen C4014833, MONDO:0014423, OMIM 615966.

Allele frequency attached by ClinVar (database versions not stated): gnomAD exomes below 0.00001; TOPMed 0.00001.
gnomAD v4.1: 1 of 1,613,936 alleles (0.000062%); highest among the groups gnomAD compares: Non-Finnish European, 0.000085%; no homozygotes.

Submissions (2):

Labcorp Genetics (formerly Invitae), Labcorp
Classification: Uncertain significance for Severe combined immunodeficiency due to DNA-PKcs deficiency. Last evaluated: 2024-05-20. Review status: criteria provided, single submitter. Criteria: Invitae Variant Classification Sherloc (09022015). Collection method: clinical testing. Allele origin: germline.
Comment: This sequence change replaces glutamic acid with glutamine at codon 1050 of the PRKDC protein (p.Glu1050Gln). The glutamic acid residue is highly conserved and there is a small physicochemical difference between glutamic acid and glutamine. This variant is present in population databases (no rsID available, gnomAD 0.0009%). This variant has not been reported in the literature in individuals affected with PRKDC-related conditions. ClinVar contains an entry for this variant (Variation ID: 1518709). Advanced modeling of protein sequence and biophysical properties (such as structural, functional, and spatial information, amino acid conservation, physicochemical variation, residue mobility, and thermodynamic stability) performed at Invitae indicates that this missense variant is not expected to disrupt PRKDC protein function with a negative predictive value of 80%. In summary, the available evidence is currently insufficient to determine the role of this variant in disease. Therefore, it has been classified as a Variant of Uncertain Significance.

Ambry Genetics
Classification: Uncertain significance. Last evaluated: 2022-04-26. Review status: criteria provided, single submitter. Criteria: Ambry Variant Classification Scheme 2023. Collection method: clinical testing. Allele origin: germline.
Comment: The p.E1050Q variant (also known as c.3148G>C), located in coding exon 27 of the PRKDC gene, results from a G to C substitution at nucleotide position 3148. The glutamic acid at codon 1050 is replaced by glutamine, an amino acid with highly similar properties. This amino acid position is conserved. In addition, this alteration is predicted to be tolerated by in silico analysis. Since supporting evidence is limited at this time, the clinical significance of this alteration remains unclear.